The following is an entry in ClinVar:

NM_006514.4(SCN10A):c.1272G>A (p.Met424Ile)

Gene: SCN10A (sodium voltage-gated channel alpha subunit 10; minus strand). Cytogenetic location: 3p22.2.
Variant type: single nucleotide variant.
Coding change: c.1272G>A on transcript NM_006514.4 (MANE Select); coding-DNA position 1272, G replaced by A.
Protein change: p.Met424Ile; replaces methionine 424 with isoleucine.
Molecular consequence: missense variant.
Genome position (GRCh38, 1-based): chr3:38,756,692, C>T on the plus strand (G>A on the coding strand, the complement: SCN10A is on the minus strand). VCF-style: chr3-38756692-C-T. GRCh37 (hg19) VCF-style: chr3-38798183-C-T.
Other names: c.1272G>A, p.Met424Ile (NM_001293306.2, NM_001293307.2); short protein forms M424I.
Identifiers: ClinVar variation 3316518 (VCV003316518.2).
Genomic context (GRCh38, chr3:38,756,692, plus strand): 5'-CAGTCTGCAACCTTCTTCACAAAGCTTCCACTCCTCACAAACCTCCTGCTCCTTCCGGAG[C>T]ATCTCGAGGGCCTCCTGGAACTTCTTCTCCTTTGCTTCAATTTCATCAGTGGTTGCCTGG-3'
Protein context (NP_006505.4, residues 414-434): KEKKFQEALE[Met424Ile]LRKEQEVLAA

ClinVar aggregate classification (germline): Uncertain significance. Review status: criteria provided, multiple submitters, no conflicts (2 of 4 stars). 2 submissions from 2 submitters: Uncertain significance (2). Last evaluated 2026-02-28.

Conditions:
Cardiovascular phenotype. Identifiers: MedGen CN230736.

gnomAD v4.1: 1 of 1,613,946 alleles (0.000062%); no homozygotes.

Submissions (2):

GeneDx
Classification: Uncertain significance. Last evaluated: 2026-02-28. Review status: criteria provided, single submitter. Criteria: GeneDx Variant Classification Process June 2021. Collection method: clinical testing. Allele origin: germline.
Comment: Not observed at significant frequency in large population cohorts (gnomAD); In silico analysis supports that this missense variant has a deleterious effect on protein structure/function; Has not been previously published as pathogenic or benign to our knowledge

Ambry Genetics
Classification: Uncertain significance for Cardiovascular phenotype. Last evaluated: 2024-05-02. Review status: criteria provided, single submitter. Criteria: Ambry Variant Classification Scheme 2023. Collection method: clinical testing. Allele origin: germline.
Comment: The p.M424I variant (also known as c.1272G>A), located in coding exon 9 of the SCN10A gene, results from a G to A substitution at nucleotide position 1272. The methionine at codon 424 is replaced by isoleucine, an amino acid with highly similar properties. This amino acid position is conserved. In addition, this alteration is predicted to be tolerated by in silico analysis. Based on the available evidence, the clinical significance of this variant remains unclear.